The following is an entry in ClinVar:

ClinVar aggregate classification (germline): Uncertain significance. Review status: criteria provided, multiple submitters, no conflicts (2 of 4 stars). 2 submissions from 2 submitters: Uncertain significance (2). Last evaluated 2024-12-12.

Conditions:
PLXNA2-related disorder. Also called: PLXNA2-related condition.

gnomAD v4.1: 16 of 1,614,150 alleles (0.00099%); highest among the groups gnomAD compares: African/African-American, 0.011%; no homozygotes.

Submissions (2):

Labcorp Genetics (formerly Invitae), Labcorp
Classification: Uncertain significance. Last evaluated: 2024-12-12. Review status: criteria provided, single submitter. Criteria: Invitae Variant Classification Sherloc (09022015). Collection method: clinical testing. Allele origin: germline.
Comment: This sequence change replaces valine, which is neutral and non-polar, with isoleucine, which is neutral and non-polar, at codon 55 of the PLXNA2 protein (p.Val55Ile). This variant is present in population databases (no rsID available, gnomAD 0.01%). This missense change has been observed in individual(s) with autism spectrum disorder (PMID: 25363768, 28407358, 34011629, 35982160). Invitae Evidence Modeling of protein sequence and biophysical properties (such as structural, functional, and spatial information, amino acid conservation, physicochemical variation, residue mobility, and thermodynamic stability) indicates that this missense variant is not expected to disrupt PLXNA2 protein function with a negative predictive value of 80%. In summary, the available evidence is currently insufficient to determine the role of this variant in disease. Therefore, it has been classified as a Variant of Uncertain Significance.

PreventionGenetics, part of Exact Sciences
Classification: Uncertain significance for PLXNA2-related condition. Last evaluated: 2024-10-16. Review status: criteria provided, single submitter. Criteria: ACMG Guidelines, 2015. Collection method: clinical testing. Allele origin: germline.
Comment: The PLXNA2 c.163G>A variant is predicted to result in the amino acid substitution p.Val55Ile. This variant was reported as de novo and inherited in individuals with autism spectrum disorder (Table S2, Li et al. 2017. PubMed ID: 28407358; Table S2, Iossifov et al. 2014. PubMed ID: 25363768; Table S1, Kosmicki et al. 2017. PubMed ID: 28191890). This variant is reported in 0.012% of alleles in individuals of African descent in gnomAD. At this time, the clinical significance of this variant is uncertain due to the absence of conclusive functional and genetic evidence.

Literature cited by the submitters: PubMed 25363768 (cited by Labcorp Genetics (formerly Invitae), Labcorp); PubMed 28407358 (cited by Labcorp Genetics (formerly Invitae), Labcorp); PubMed 34011629 (cited by Labcorp Genetics (formerly Invitae), Labcorp); PubMed 35982160 (cited by Labcorp Genetics (formerly Invitae), Labcorp).

NM_025179.4(PLXNA2):c.163G>A (p.Val55Ile)

Gene: PLXNA2 (plexin A2; minus strand). Cytogenetic location: 1q32.2.
Variant type: single nucleotide variant.
Coding change: c.163G>A on transcript NM_025179.4 (MANE Select); coding-DNA position 163, G replaced by A.
Protein change: p.Val55Ile; replaces valine 55 with isoleucine.
Molecular consequence: missense variant.
Genome position (GRCh38, 1-based): chr1:208,217,760, C>T on the plus strand (G>A on the coding strand, the complement: PLXNA2 is on the minus strand). VCF-style: chr1-208217760-C-T. GRCh37 (hg19) VCF-style: chr1-208391105-C-T.
Other names: short protein forms V55I.
Identifiers: ClinVar variation 3350804 (VCV003350804.4).